The following is an entry in ClinVar:

ClinVar aggregate classification (germline): Pathogenic (1 of 4 stars; one submission).

Submission:

CeGaT Center for Human Genetics Tuebingen
Classification: Pathogenic. Last evaluated: 2024-10-01. Review status: criteria provided, single submitter. Criteria: CeGaT Center For Human Genetics Tuebingen Variant Classification Criteria Version 2. Collection method: clinical testing. Allele origin: germline. Affected: yes. Observed: 1 variant allele.
Comment: SACS: PVS1, PM2, PM3

NM_014363.6(SACS):c.589_592del (p.Val197fs)

Gene: SACS (sacsin molecular chaperone; minus strand). Cytogenetic location: 13q12.12.
Variant type: Deletion.
Coding change: c.589_592del on transcript NM_014363.6 (MANE Select); coding-DNA positions 589 to 592, 4 bases deleted (GTCT; older notation c.589_592delGTCT).
Protein change: p.Val197fs; shifts the reading frame from valine 197.
Molecular consequence: frameshift variant.
Genome position (GRCh38, 1-based): chr13:23,358,347-23,358,350, AGAC deleted on the plus strand (GTCT on the coding strand, the reverse complement: SACS is on the minus strand); deleting any 4 consecutive bases within chr13:23,358,347-23,358,353 gives the same sequence; the c. name uses the placement nearest the transcript's 3' end. VCF-style (leftmost placement, unchanged base first): chr13-23358346-TAGAC-T. GRCh37 (hg19) VCF-style: chr13-23932485-TAGAC-T.
Other names: c.148_151del, p.Val50fs (NM_001278055.2); short protein forms V197fs, V50fs.
Identifiers: ClinVar variation 3389996 (VCV003389996.14).